The following is an entry in ClinVar:

ClinVar aggregate classification (germline): Uncertain significance (1 of 4 stars; one submission).

Conditions:
Hereditary cancer-predisposing syndrome. Also called: Neoplastic Syndromes, Hereditary; Hereditary Cancer Syndrome; Tumor predisposition; Hereditary neoplastic syndrome. Identifiers: Orphanet 140162, MedGen C0027672, MeSH D009386, MONDO:0015356.

Allele frequency attached by ClinVar (database versions not stated): gnomAD exomes below 0.00001.
gnomAD v4.1: 1 of 1,613,906 alleles (0.000062%); highest among the groups gnomAD compares: Non-Finnish European, 0.000085%; no homozygotes.

Submission:

Ambry Genetics
Classification: Uncertain significance for Hereditary cancer-predisposing syndrome. Last evaluated: 2022-12-16. Review status: criteria provided, single submitter. Criteria: Ambry Variant Classification Scheme 2023. Collection method: clinical testing. Allele origin: germline.
Comment: The p.A1136S variant (also known as c.3406G>T), located in coding exon 17 of the BLM gene, results from a G to T substitution at nucleotide position 3406. The alanine at codon 1136 is replaced by serine, an amino acid with similar properties. This amino acid position is conserved. In addition, this alteration is predicted to be tolerated by in silico analysis. Since supporting evidence is limited at this time, the clinical significance of this alteration remains unclear.

NM_000057.4(BLM):c.3406G>T (p.Ala1136Ser)

Gene: BLM (BLM RecQ like helicase; plus strand). Cytogenetic location: 15q26.1.
Variant type: single nucleotide variant.
Coding change: c.3406G>T on transcript NM_000057.4 (MANE Select); coding-DNA position 3406, G replaced by T.
Protein change: p.Ala1136Ser; replaces alanine 1136 with serine.
Molecular consequence: missense variant. On other transcripts: intron variant (1).
Genome position (GRCh38, 1-based): chr15:90,803,568, G>T. VCF-style: chr15-90803568-G-T. GRCh37 (hg19) VCF-style: chr15-91346798-G-T.
Other names: c.3406G>T, p.Ala1136Ser (NM_001287246.2); c.2281G>T, p.Ala761Ser (NM_001287248.2); c.3358+5231G>T (NM_001287247.2); short protein forms A1136S, A761S.
Identifiers: ClinVar variation 2447174 (VCV002447174.2), dbSNP rs2505546880, ClinGen allele CA393847527.
Genomic context (GRCh38, chr15:90,803,568, plus strand): 5'-ATCTTCTTATCAGGGAGTAAGAGTGCAAAAATCCAGTCAGGTATATTTGGAAAAGGATCT[G>T]CTTATTCACGACACAATGCCGAAAGACTTTTTAAAAAGCTGATACTTGACAAGATTTTGG-3'
Protein context (NP_000048.1, residues 1126-1146): IQSGIFGKGS[Ala1136Ser]YSRHNAERLF